The following is an entry in ClinVar:

ClinVar aggregate classification (germline): Uncertain significance. Review status: criteria provided, multiple submitters, no conflicts (2 of 4 stars). 2 submissions from 2 submitters: Uncertain significance (2). Last evaluated 2025-08-24.

Allele frequency attached by ClinVar (database versions not stated): gnomAD exomes 0.00001; ExAC 0.00002; gnomAD 0.00002; TOPMed 0.00006; ESP Exome Variant Server 0.00012.
gnomAD v4.1: 14 of 1,613,080 alleles (0.00087%); highest among the groups gnomAD compares: African/African-American, 0.013%; no homozygotes.

Submissions (2):

Ambry Genetics
Classification: Uncertain significance. Last evaluated: 2025-08-24. Review status: criteria provided, single submitter. Criteria: Ambry Variant Classification Scheme 2023. Collection method: clinical testing. Allele origin: germline.

Labcorp Genetics (formerly Invitae), Labcorp
Classification: Uncertain significance. Last evaluated: 2022-08-19. Review status: criteria provided, single submitter. Criteria: Invitae Variant Classification Sherloc (09022015). Collection method: clinical testing. Allele origin: germline.
Comment: This sequence change replaces arginine, which is basic and polar, with cysteine, which is neutral and slightly polar, at codon 176 of the C2 protein (p.Arg176Cys). This variant is present in population databases (rs143664003, gnomAD 0.02%). This variant has not been reported in the literature in individuals affected with C2-related conditions. ClinVar contains an entry for this variant (Variation ID: 1446034). Algorithms developed to predict the effect of missense changes on protein structure and function (SIFT, PolyPhen-2, Align-GVGD) all suggest that this variant is likely to be disruptive. In summary, the available evidence is currently insufficient to determine the role of this variant in disease. Therefore, it has been classified as a Variant of Uncertain Significance.

NM_000063.6(C2):c.526C>T (p.Arg176Cys)

Gene: C2 (complement C2; plus strand). Cytogenetic location: 6p21.33.
Variant type: single nucleotide variant.
Coding change: c.526C>T on transcript NM_000063.6 (MANE Select); coding-DNA position 526, C replaced by T.
Protein change: p.Arg176Cys; replaces arginine 176 with cysteine.
Molecular consequence: missense variant. On other transcripts: synonymous variant (1).
Genome position (GRCh38, 1-based): chr6:31,933,693, C>T. VCF-style: chr6-31933693-C-T. GRCh37 (hg19) VCF-style: chr6-31901470-C-T.
Other names: c.130C>T, p.Arg44Cys (NM_001145903.3); c.157C>T, p.Arg53Cys (NM_001178063.3); c.21C>T, p.Ile7= (NM_001282457.2); c.439C>T, p.Arg147Cys (NM_001282458.2); c.526C>T, p.Arg176Cys (NM_001282459.2); c.526C>T (NM_000063.4); short protein forms R53C, R147C, R44C, R176C.
Identifiers: ClinVar variation 1446034 (VCV001446034.6), dbSNP rs143664003, ClinGen allele CA3727421.